The following is an entry in ClinVar:

ClinVar aggregate classification (germline): Uncertain significance (1 of 4 stars; one submission).

Allele frequency attached by ClinVar (database versions not stated): gnomAD 0.00001; TOPMed below 0.00001.

Submission:

Labcorp Genetics (formerly Invitae), Labcorp
Classification: Uncertain significance. Last evaluated: 2021-09-01. Review status: criteria provided, single submitter. Criteria: Invitae Variant Classification Sherloc (09022015). Collection method: clinical testing. Allele origin: germline.
Comment: This sequence change replaces glutamic acid with glutamine at codon 736 of the COL4A5 protein (p.Glu736Gln). The glutamic acid residue is moderately conserved and there is a small physicochemical difference between glutamic acid and glutamine. This variant is not present in population databases (ExAC no frequency). This variant has not been reported in the literature in individuals affected with COL4A5-related conditions. ClinVar contains an entry for this variant (Variation ID: 652664). Advanced modeling of protein sequence and biophysical properties (such as structural, functional, and spatial information, amino acid conservation, physicochemical variation, residue mobility, and thermodynamic stability) performed at Invitae indicates that this missense variant is not expected to disrupt COL4A5 protein function. In summary, the available evidence is currently insufficient to determine the role of this variant in disease. Therefore, it has been classified as a Variant of Uncertain Significance.

NM_033380.3(COL4A5):c.2206G>C (p.Glu736Gln)

Gene: COL4A5 (collagen type IV alpha 5 chain; plus strand). Cytogenetic location: Xq22.3.
Variant type: single nucleotide variant.
Coding change: c.2206G>C on transcript NM_033380.3 (MANE Select); coding-DNA position 2206, G replaced by C.
Protein change: p.Glu736Gln; replaces glutamic acid 736 with glutamine.
Molecular consequence: missense variant.
Genome position (GRCh38, 1-based): chrX:108,603,023, G>C. VCF-style: chrX-108603023-G-C. GRCh37 (hg19) VCF-style: chrX-107846253-G-C.
Other names: c.2206G>C, p.Glu736Gln (NM_000495.5); short protein forms E736Q.
Identifiers: ClinVar variation 652664 (VCV000652664.8), dbSNP rs1603292436, ClinGen allele CA413847439.
Genomic context (GRCh38, chrX:108,603,023, plus strand): 5'-GGCTTTCCTGGAATTCCAGGACCTCCAGGAGCACCTGGGACACCTGGAAGAATTGGTCTA[G>C]AAGGCCCTCCTGGGCCACCCGGCTTTCCAGGACCAAAGGTCTGGGACATTTTTCTTTATT-3'
Protein context (NP_203699.1, residues 726-746): APGTPGRIGL[Glu736Gln]GPPGPPGFPG